The following is an entry in ClinVar:

ClinVar aggregate classification (germline): Pathogenic (1 of 4 stars; one submission).

Conditions:
Ataxia-telangiectasia syndrome (AT). Also called: Ataxia-telangiectasia, complementation group D; AT, COMPLEMENTATION GROUP C; ATAXIA-TELANGIECTASIA, COMPLEMENTATION GROUP A; ATAXIA-TELANGIECTASIA, FRESNO VARIANT; Ataxia-telangiectasia; Ataxia-telangiectasia, complementation group E. Identifiers: Orphanet 100, MedGen C0004135, MONDO:0008840, OMIM 208900.

Submission:

Labcorp Genetics (formerly Invitae), Labcorp
Classification: Pathogenic for Ataxia-telangiectasia syndrome. Last evaluated: 2024-06-13. Review status: criteria provided, single submitter. Criteria: Invitae Variant Classification Sherloc (09022015). Collection method: clinical testing. Allele origin: germline.
Comment: This sequence change creates a premature translational stop signal (p.Ile2185Argfs*14) in the ATM gene. It is expected to result in an absent or disrupted protein product. Loss-of-function variants in ATM are known to be pathogenic (PMID: 23807571, 25614872). This variant is not present in population databases (gnomAD no frequency). This variant has not been reported in the literature in individuals affected with ATM-related conditions. For these reasons, this variant has been classified as Pathogenic.

Literature cited by the submitters: PubMed 23807571; PubMed 25614872.

NM_000051.4(ATM):c.6547_6553dup (p.Ile2185fs)

Genes: ATM (ATM serine/threonine kinase; plus strand), C11orf65 (chromosome 11 open reading frame 65; minus strand). Cytogenetic location: 11q22.3.
Variant type: Duplication.
Coding change: c.6547_6553dup on transcript NM_000051.4 (MANE Select); coding-DNA positions 6547 to 6553, 7 bases duplicated (GAAAGCA; older notation c.6547_6553dupGAAAGCA).
Protein change: p.Ile2185fs; shifts the reading frame from isoleucine 2185.
Molecular consequence: frameshift variant. On other transcripts: intron variant (2).
Genome position (GRCh38, 1-based): chr11:108,321,395-108,321,401, GAAAGCA duplicated. VCF-style (leftmost placement, unchanged base first): chr11-108321394-G-GGAAAGCA. GRCh37 (hg19) VCF-style: chr11-108192121-G-GGAAAGCA.
Other names: c.6547_6553dup, p.Ile2185fs (NM_001351834.2); c.641-12330_641-12324dup (NM_001330368.2); c.*39-12330_*39-12324dup (NM_001351110.2); short protein forms I2185fs.
Identifiers: ClinVar variation 3656554 (VCV003656554.2).